The following is an entry in ClinVar:

NM_024675.4(PALB2):c.248A>C (p.His83Pro)

Gene: PALB2 (partner and localizer of BRCA2; minus strand). Cytogenetic location: 16p12.2.
Variant type: single nucleotide variant.
Coding change: c.248A>C on transcript NM_024675.4 (MANE Select); coding-DNA position 248, A replaced by C.
Protein change: p.His83Pro; replaces histidine 83 with proline.
Molecular consequence: missense variant.
Genome position (GRCh38, 1-based): chr16:23,636,298, T>G on the plus strand (A>C on the coding strand, the complement: PALB2 is on the minus strand). VCF-style: chr16-23636298-T-G. GRCh37 (hg19) VCF-style: chr16-23647619-T-G.
Other names: c.248A>C (NM_024675.3); short protein forms H83P.
Identifiers: ClinVar variation 1516025 (VCV001516025.10), dbSNP rs2142447708, ClinGen allele CA395138913.

ClinVar aggregate classification (germline): Uncertain significance. Review status: criteria provided, multiple submitters, no conflicts (2 of 4 stars). 2 submissions from 2 submitters: Uncertain significance (2). Last evaluated 2025-09-26.

Conditions:
Hereditary cancer-predisposing syndrome. Also called: Tumor predisposition; Neoplastic Syndromes, Hereditary; Hereditary neoplastic syndrome; Hereditary Cancer Syndrome. Identifiers: Orphanet 140162, MedGen C0027672, MeSH D009386, MONDO:0015356.
Familial cancer of breast. Also called: Hereditary breast cancer; hereditary breast carcinoma; BREAST CANCER, FAMILIAL. Identifiers: Orphanet 227535, MedGen C0346153, MONDO:0016419, OMIM 114480. Disease mechanism: loss of function.

Submissions (2):

Ambry Genetics
Classification: Uncertain significance for Hereditary cancer-predisposing syndrome. Last evaluated: 2025-09-26. Review status: criteria provided, single submitter. Criteria: Ambry Variant Classification Scheme 2023. Collection method: clinical testing. Allele origin: germline.
Comment: The p.H83P variant (also known as c.248A>C), located in coding exon 4 of the PALB2 gene, results from an A to C substitution at nucleotide position 248. The histidine at codon 83 is replaced by proline, an amino acid with similar properties. This amino acid position is conserved. In addition, this alteration is predicted to be tolerated by in silico analysis. Based on the available evidence, the clinical significance of this variant remains unclear.

Labcorp Genetics (formerly Invitae), Labcorp
Classification: Uncertain significance for Familial cancer of breast. Last evaluated: 2025-08-29. Review status: criteria provided, single submitter. Criteria: Invitae Variant Classification Sherloc (09022015). Collection method: clinical testing. Allele origin: germline.
Comment: This sequence change replaces histidine, which is basic and polar, with proline, which is neutral and non-polar, at codon 83 of the PALB2 protein (p.His83Pro). This variant is not present in population databases (gnomAD no frequency). This variant has not been reported in the literature in individuals affected with PALB2-related conditions. ClinVar contains an entry for this variant (Variation ID: 1516025). An algorithm developed to predict the effect of missense changes on protein structure and function (PolyPhen-2) suggests that this variant is likely to be tolerated. In summary, the available evidence is currently insufficient to determine the role of this variant in disease. Therefore, it has been classified as a Variant of Uncertain Significance.